The following is an entry in ClinVar:

ClinVar aggregate classification (germline): Conflicting classifications of pathogenicity. Review status: criteria provided, conflicting classifications (1 of 4 stars). 11 submissions from 11 submitters: Uncertain significance (9); Likely benign (1). 1 of the submissions does not count toward it. Last evaluated 2026-09-01.

Conditions:
Charcot-Marie-Tooth disease type 4. Also called: Charcot-Marie-Tooth disease, type IV; Charcot-Marie-Tooth, Type 4. Identifiers: Orphanet 64749, MedGen C4082197, MONDO:0018995.
NDRG1-related disorder. Also called: NDRG1-related condition.
Charcot-Marie-Tooth disease type 4D. Also called: CHARCOT-MARIE-TOOTH DISEASE, DEMYELINATING, TYPE 4D; CHARCOT-MARIE-TOOTH DISEASE, DEMYELINATING, AUTOSOMAL RECESSIVE, TYPE 4D; NEUROPATHY, HEREDITARY MOTOR AND SENSORY, LOM TYPE; Charcot-Marie-Tooth Neuropathy Type 4D. Identifiers: Orphanet 99950, MedGen C1832334, MONDO:0011085, OMIM 601455.
Inborn genetic diseases. Identifiers: MedGen C0950123, MeSH D030342.
Charcot-Marie-Tooth disease. Also called: Charcot-Marie-Tooth Hereditary Neuropathy; Charcot-Marie-Tooth Neuropathy. Identifiers: Orphanet 166, MedGen C0007959, MONDO:0015626.

Allele frequency attached by ClinVar (database versions not stated): ExAC 0.00018; gnomAD exomes 0.00019 and 0.00046; gnomAD 0.00023 and 0.00024; TOPMed 0.00025; ESP Exome Variant Server 0.00031.
gnomAD v4.1: 712 of 1,613,834 alleles (0.044%); highest among the groups gnomAD compares: Non-Finnish European, 0.057%; 1 homozygote.

Submissions (11):

CeGaT Center for Human Genetics Tuebingen
Classification: Likely benign. Last evaluated: 2026-09-01. Review status: criteria provided, single submitter. Criteria: CeGaT Center For Human Genetics Tuebingen Variant Classification Criteria Version 2. Collection method: clinical testing. Allele origin: germline. Affected: yes. Observed: 2 variant alleles.
Comment: NDRG1: BP4

Women's Health and Genetics/Laboratory Corporation of America, LabCorp
Classification: Uncertain significance. Last evaluated: 2026-05-27. Review status: criteria provided, single submitter. Criteria: LabCorp Variant Classification Summary - May 2015. Collection method: clinical testing. Allele origin: germline.
Comment: Variant summary: NDRG1 c.686A>G (p.Asn229Ser) results in a conservative amino acid change in the encoded protein sequence. Algorithms developed to predict the effect of missense changes on protein structure and function are either unavailable or do not agree on the potential impact of this missense change. The variant allele was found at a frequency of 0.00044 in 1606838 control chromosomes, predominantly at a frequency of 0.00057 within the Non-Finnish European subpopulation in the gnomAD database (v4.1 dataset), including 1 homozygote. This frequency is not significantly higher than estimated for disease-causing variants in NDRG1, allowing no conclusion about variant significance. c.686A>G has been observed in 1/2,517 individuals with suspected Charcot-Marie-Tooth disease (Volodarsky_2021), however no supportive evidence for causality was provided; in addition, the allele frequency in this cohort of patients does not exceed the population frequency in gnomAD. This report does not provide unequivocal conclusions about association of the variant with disease. To our knowledge, no experimental evidence demonstrating an impact on protein function has been reported. The following publication has been ascertained in the context of this evaluation (PMID: 32376792). ClinVar contains an entry for this variant (Variation ID: 543370). Based on the evidence outlined above, the variant was classified as VUS-possibly benign.

PreventionGenetics, part of Exact Sciences
Classification: Uncertain significance for NDRG1-related condition. Last evaluated: 2026-02-24. Review status: criteria provided, single submitter. Criteria: ACMG Guidelines, 2015. Collection method: clinical testing. Allele origin: germline.
Comment: The NDRG1 c.686A>G variant is predicted to result in the amino acid substitution p.Asn229Ser. This variant was reported as a variant of uncertain significance in an individual from a large cohort study of Charcot-Marie-Tooth disease; however, additional evidence was not provided (Volodarsky et al. 2021. PubMed ID: 32376792). This variant is reported in 0.033% of alleles in individuals of European (non-Finnish) descent in gnomAD. At this time, the clinical significance of this variant is uncertain due to the absence of conclusive functional and genetic evidence.

Ambry Genetics
Classification: Uncertain significance for Inborn genetic diseases. Last evaluated: 2025-10-17. Review status: criteria provided, single submitter. Criteria: Ambry Variant Classification Scheme 2023. Collection method: clinical testing. Allele origin: germline.

GeneDx
Classification: Uncertain significance. Last evaluated: 2025-04-07. Review status: criteria provided, single submitter. Criteria: GeneDx Variant Classification Process June 2021. Collection method: clinical testing. Allele origin: germline. Affected: yes.
Comment: Reported previously as a variant of uncertain significance in a patient with suspected Charcot-Marie-Tooth disease; however, further clinical and segregation information was not provided (PMID: 32376792); In silico analysis indicates that this missense variant does not alter protein structure/function; This variant is associated with the following publications: (PMID: 32376792)

Labcorp Genetics (formerly Invitae), Labcorp
Classification: Uncertain significance for Charcot-Marie-Tooth disease type 4. Last evaluated: 2022-10-31. Review status: criteria provided, single submitter. Criteria: Invitae Variant Classification Sherloc (09022015). Collection method: clinical testing. Allele origin: germline.
Comment: This sequence change replaces asparagine, which is neutral and polar, with serine, which is neutral and polar, at codon 229 of the NDRG1 protein (p.Asn229Ser). This variant is present in population databases (rs137993172, gnomAD 0.03%). This missense change has been observed in individual(s) with Charcot-Marie-Tooth disease (PMID: 32376792). ClinVar contains an entry for this variant (Variation ID: 543370). Advanced modeling of protein sequence and biophysical properties (such as structural, functional, and spatial information, amino acid conservation, physicochemical variation, residue mobility, and thermodynamic stability) performed at Invitae indicates that this missense variant is not expected to disrupt NDRG1 protein function. In summary, the available evidence is currently insufficient to determine the role of this variant in disease. Therefore, it has been classified as a Variant of Uncertain Significance.

Fulgent Genetics
Classification: Uncertain significance for Charcot-Marie-Tooth disease type 4D. Last evaluated: 2022-04-05. Review status: criteria provided, single submitter. Criteria: ACMG Guidelines, 2015. Collection method: clinical testing. Allele origin: unknown.

Mayo Clinic Laboratories, Mayo Clinic
Classification: Uncertain significance. Last evaluated: 2021-04-30. Review status: criteria provided, single submitter. Criteria: ACMG Guidelines, 2015. Collection method: clinical testing. Allele origin: germline.

Illumina Laboratory Services, Illumina
Classification: Uncertain significance for Charcot-Marie-Tooth disease type 4D. Last evaluated: 2018-01-13. Review status: criteria provided, single submitter. Criteria: ICSL Variant Classification Criteria 13 December 2019. Collection method: clinical testing. Allele origin: germline.

Molecular Genetics Laboratory, London Health Sciences Centre
Classification: Uncertain significance for Charcot-Marie-Tooth disease. Review status: criteria provided, single submitter. Criteria: ACMG Guidelines, 2015. Collection method: clinical testing. Allele origin: germline. Affected: yes.

Natera, Inc.
Classification: Uncertain significance for Charcot-Marie-Tooth disease type 4. Last evaluated: 2020-09-16. Review status: no assertion criteria provided. Collection method: clinical testing. Allele origin: germline. Not counted in ClinVar's aggregate classification.

Literature cited by the submitters: PubMed 32376792 (cited by 3 submitters).

NM_006096.4(NDRG1):c.686A>G (p.Asn229Ser)

Gene: NDRG1 (N-myc downstream regulated 1; minus strand). Cytogenetic location: 8q24.22.
Variant type: single nucleotide variant.
Coding change: c.686A>G on transcript NM_006096.4 (MANE Select); coding-DNA position 686, A replaced by G.
Protein change: p.Asn229Ser; replaces asparagine 229 with serine.
Molecular consequence: missense variant.
Genome position (GRCh38, 1-based): chr8:133,250,452, T>C on the plus strand (A>G on the coding strand, the complement: NDRG1 is on the minus strand). VCF-style: chr8-133250452-T-C. GRCh37 (hg19) VCF-style: chr8-134262695-T-C.
Other names: p.Asn229Ser; c.686A>G, p.Asn229Ser (NM_001135242.2, NM_001374845.1, NM_001374846.1); c.488A>G, p.Asn163Ser (NM_001258432.2, NM_001374847.1); c.443A>G, p.Asn148Ser (NM_001258433.2); c.737A>G, p.Asn246Ser (NM_001374844.1); short protein forms N229S, N148S, N163S, N246S.
Identifiers: ClinVar variation 543370 (VCV000543370.33), dbSNP rs137993172, ClinGen allele CA4886643.